The following is an entry in ClinVar:

ClinVar aggregate classification (germline): Uncertain significance. Review status: criteria provided, multiple submitters, no conflicts (2 of 4 stars). 2 submissions from 2 submitters: Uncertain significance (2). Last evaluated 2022-12-06.

Conditions:
Idiopathic generalized epilepsy. Also called: Generalised epilepsy; EIG. Identifiers: MedGen C0270850, MONDO:0005579, OMIM 600669.
Hyperaldosteronism, familial, type IV (HALD4). Also called: FH IV; ALDOSTERONISM, PRIMARY, AND HYPERTENSION. Identifiers: Orphanet 642671, MedGen C4310756, MONDO:0014875, OMIM 617027.
Epilepsy, childhood absence, susceptibility to, 6. Identifiers: Orphanet 64280, MedGen C2749872, MONDO:0012763, OMIM 611942.

gnomAD v4.1: 4 of 1,595,002 alleles (0.00025%); highest among the groups gnomAD compares: Non-Finnish European, 0.00026%; no homozygotes.

Submissions (2):

Labcorp Genetics (formerly Invitae), Labcorp
Classification: Uncertain significance for Idiopathic generalized epilepsy; Hyperaldosteronism, familial, type IV. Last evaluated: 2022-12-06. Review status: criteria provided, single submitter. Criteria: Invitae Variant Classification Sherloc (09022015). Collection method: clinical testing. Allele origin: germline.
Comment: This sequence change replaces isoleucine, which is neutral and non-polar, with valine, which is neutral and non-polar, at codon 964 of the CACNA1H protein (p.Ile964Val). This variant is not present in population databases (gnomAD no frequency). This variant has not been reported in the literature in individuals affected with CACNA1H-related conditions. ClinVar contains an entry for this variant (Variation ID: 940116). Advanced modeling of protein sequence and biophysical properties (such as structural, functional, and spatial information, amino acid conservation, physicochemical variation, residue mobility, and thermodynamic stability) has been performed at Invitae for this missense variant, however the output from this modeling did not meet the statistical confidence thresholds required to predict the impact of this variant on CACNA1H protein function. In summary, the available evidence is currently insufficient to determine the role of this variant in disease. Therefore, it has been classified as a Variant of Uncertain Significance.

Fulgent Genetics
Classification: Uncertain significance for Epilepsy, childhood absence, susceptibility to, 6; Hyperaldosteronism, familial, type IV. Last evaluated: 2021-11-02. Review status: criteria provided, single submitter. Criteria: ACMG Guidelines, 2015. Collection method: clinical testing. Allele origin: unknown.

NM_021098.3(CACNA1H):c.2890A>G (p.Ile964Val)

Gene: CACNA1H (calcium voltage-gated channel subunit alpha1 H; plus strand). Cytogenetic location: 16p13.3.
Variant type: single nucleotide variant.
Coding change: c.2890A>G on transcript NM_021098.3 (MANE Select); coding-DNA position 2890, A replaced by G.
Protein change: p.Ile964Val; replaces isoleucine 964 with valine.
Molecular consequence: missense variant.
Genome position (GRCh38, 1-based): chr16:1,207,101, A>G. VCF-style: chr16-1207101-A-G. GRCh37 (hg19) VCF-style: chr16-1257101-A-G.
Other names: c.2890A>G, p.Ile964Val (NM_001005407.2); short protein forms I964V.
Identifiers: ClinVar variation 940116 (VCV000940116.10), dbSNP rs1968823371, ClinGen allele CA394170177.
Genomic context (GRCh38, chr16:1,207,101, plus strand): 5'-AAGACAGACACCGGAGACACCGTGCCTGACAGGAAGAACTTCGACTCCCTGCTGTGGGCC[A>G]TCGTCACCGTGTTCCAGGTAGTGCCCGGGGTCCCCGCAGCAGTGTTGGGTGCTGAGTGTG-3'
Protein context (NP_066921.2, residues 954-974): RKNFDSLLWA[Ile964Val]VTVFQILTQE